The following is an entry in ClinVar:

ClinVar aggregate classification (germline): Uncertain significance (1 of 4 stars; one submission).

Conditions:
Severe combined immunodeficiency due to IKK2 deficiency. Also called: IMMUNODEFICIENCY 15B; Immunodeficiency 15. Identifiers: Orphanet 397787, MedGen C4747743, MONDO:0014267, OMIM 615592.

Allele frequency attached by ClinVar (database versions not stated): ExAC 0.00002; gnomAD exomes 0.00003 and 0.00006; TOPMed 0.00017; gnomAD 0.00024 and 0.00025.
gnomAD v4.1: 77 of 1,613,074 alleles (0.0048%); highest among the groups gnomAD compares: Admixed American, 0.052%; no homozygotes.

Submission:

Labcorp Genetics (formerly Invitae), Labcorp
Classification: Uncertain significance for Severe combined immunodeficiency due to IKK2 deficiency. Last evaluated: 2025-11-26. Review status: criteria provided, single submitter. Criteria: Invitae Variant Classification Sherloc (09022015). Collection method: clinical testing. Allele origin: germline.
Comment: This sequence change replaces threonine, which is neutral and polar, with methionine, which is neutral and non-polar, at codon 610 of the IKBKB protein (p.Thr610Met). This variant is present in population databases (rs200738579, gnomAD 0.03%). This variant has not been reported in the literature in individuals affected with IKBKB-related conditions. ClinVar contains an entry for this variant (Variation ID: 1009842). Invitae Evidence Modeling of protein sequence and biophysical properties (such as structural, functional, and spatial information, amino acid conservation, physicochemical variation, residue mobility, and thermodynamic stability) indicates that this missense variant is not expected to disrupt IKBKB protein function with a negative predictive value of 95%. In summary, the available evidence is currently insufficient to determine the role of this variant in disease. Therefore, it has been classified as a Variant of Uncertain Significance.

NM_001556.3(IKBKB):c.1829C>T (p.Thr610Met)

Gene: IKBKB (inhibitor of nuclear factor kappa B kinase subunit beta; plus strand). Cytogenetic location: 8p11.21.
Variant type: single nucleotide variant.
Coding change: c.1829C>T on transcript NM_001556.3 (MANE Select); coding-DNA position 1829, C replaced by T.
Protein change: p.Thr610Met; replaces threonine 610 with methionine.
Molecular consequence: missense variant. On other transcripts: non-coding transcript variant (3).
Genome position (GRCh38, 1-based): chr8:42,322,144, C>T. VCF-style: chr8-42322144-C-T. GRCh37 (hg19) VCF-style: chr8-42179662-C-T.
Other names: c.1637C>T, p.Thr546Met (NM_001190720.3); c.1652C>T, p.Thr551Met (NM_001242778.2); short protein forms T546M, T551M, T610M.
Identifiers: ClinVar variation 1009842 (VCV001009842.4), dbSNP rs200738579, ClinGen allele CA4732127.